The following is an entry in ClinVar:

NM_173596.3(SLC39A5):c.141C>G (p.Tyr47Ter)

Gene: SLC39A5 (solute carrier family 39 member 5; plus strand). Cytogenetic location: 12q13.3.
Variant type: single nucleotide variant.
Coding change: c.141C>G on transcript NM_173596.3 (MANE Select); coding-DNA position 141, C replaced by G.
Protein change: p.Tyr47Ter; replaces tyrosine 47 with a stop codon.
Molecular consequence: nonsense.
Genome position (GRCh38, 1-based): chr12:56,231,415, C>G. VCF-style: chr12-56231415-C-G. GRCh37 (hg19) VCF-style: chr12-56625199-C-G.
Other names: SLC39A5, TYR47TER (rs199624584); c.141C>G, p.Tyr47Ter (NM_001135195.2); short protein forms Y47*.
Identifiers: ClinVar variation 143991 (VCV000143991.3), dbSNP rs199624584, ClinGen allele CA170558.
Genomic context (GRCh38, chr12:56,231,415, plus strand): 5'-CAACCTGGGCCCTGCTGAGCAGGAGCAGAACCATTACCTGGCCCAGCTGTTTGGCCTGTA[C>G]GGCGAGAATGGGACGCTGACTGCAGGGGGCTTGGCGCGGCTTCTCCACAGCCTGGGGCTA-3'

ClinVar aggregate classification (germline): Likely pathogenic. Review status: criteria provided, single submitter (1 of 4 stars). 2 submissions from 2 submitters: Likely pathogenic (1). 1 of the submissions does not count toward it.

Conditions:
Myopia 24, autosomal dominant (MYP24). Identifiers: MedGen C4014762, MONDO:0014411, OMIM 615946.

Allele frequency attached by ClinVar (database versions not stated): gnomAD 0.00006; 1000 Genomes Project 30x 0.00031; TOPMed 0.00001.
gnomAD v4.1: 7 of 1,614,088 alleles (0.00043%); highest among the groups gnomAD compares: East Asian, 0.0089%; no homozygotes.

Submissions (2):

Juno Genomics, Hangzhou Juno Genomics, Inc
Classification: Likely pathogenic for Myopia 24, autosomal dominant. Review status: criteria provided, single submitter. Criteria: ACMG Guidelines, 2015. Collection method: clinical testing. Allele origin: germline. Affected: yes.
Comment: Absent from controls (or at extremely low frequency if recessive) in Genome Aggregation Database, Exome Sequencing Project, 1000 Genomes Project, or Exome Aggregation Consortium.;Co-segregation with disease in multiple affected family members in a gene definitively known to cause the disease.;The prevalence of the variant in affected individuals is significantly increased compared to the prevalence in controls.;Well-established in vitro or in vivo functional studies supportive of a damaging effect on the gene or gene product.

OMIM
Classification: Pathogenic for MYOPIA 24, AUTOSOMAL DOMINANT. Last evaluated: 2014-08-01. Review status: no assertion criteria provided. Collection method: literature only. Allele origin: germline. Not counted in ClinVar's aggregate classification.

Literature cited by the submitters: PubMed 24891338 (cited by OMIM).